The following is an entry in ClinVar:

ClinVar aggregate classification (germline): Uncertain significance. Review status: criteria provided, multiple submitters, no conflicts (2 of 4 stars). 2 submissions from 2 submitters: Uncertain significance (2). Last evaluated 2026-07-31.

Conditions:
Cardiovascular phenotype. Identifiers: MedGen CN230736.

gnomAD v4.1: 1 of 1,614,152 alleles (0.000062%); highest among the groups gnomAD compares: Non-Finnish European, 0.000085%; no homozygotes.

Submissions (2):

Ambry Genetics
Classification: Uncertain significance for Cardiovascular phenotype. Last evaluated: 2026-07-31. Review status: criteria provided, single submitter. Criteria: Ambry Variant Classification Scheme 2023. Collection method: clinical testing. Allele origin: germline.
Comment: The p.N1078D variant (also known as c.3232A>G), located in coding exon 23 of the LAMA4 gene, results from an A to G substitution at nucleotide position 3232. The asparagine at codon 1078 is replaced by aspartic acid, an amino acid with highly similar properties. This amino acid position is conserved. In addition, this alteration is predicted to be tolerated by in silico analysis. Based on the available evidence, the clinical significance of this variant remains unclear.

GeneDx
Classification: Uncertain significance. Last evaluated: 2026-03-24. Review status: criteria provided, single submitter. Criteria: GeneDx Variant Classification Process June 2021. Collection method: clinical testing. Allele origin: germline.
Comment: Not observed at significant frequency in large population cohorts (gnomAD); In silico analysis suggests that this missense variant does not alter protein structure/function; Has not been previously published as pathogenic or benign to our knowledge

NM_001105206.3(LAMA4):c.3253A>G (p.Asn1085Asp)

Gene: LAMA4 (laminin subunit alpha 4; minus strand). Cytogenetic location: 6q21.
Variant type: single nucleotide variant.
Coding change: c.3253A>G on transcript NM_001105206.3 (MANE Select); coding-DNA position 3253, A replaced by G.
Protein change: p.Asn1085Asp; replaces asparagine 1085 with aspartic acid.
Molecular consequence: missense variant.
Genome position (GRCh38, 1-based): chr6:112,139,149, T>C on the plus strand (A>G on the coding strand, the complement: LAMA4 is on the minus strand). VCF-style: chr6-112139149-T-C. GRCh37 (hg19) VCF-style: chr6-112460351-T-C.
Other names: c.3232A>G, p.Asn1078Asp (NM_001105207.3, NM_002290.5); short protein forms N1078D, N1085D.
Identifiers: ClinVar variation 5017156 (VCV005017156.2).